The following is an entry in ClinVar:

ClinVar aggregate classification (germline): Uncertain significance (1 of 4 stars; one submission).

Submission:

Labcorp Genetics (formerly Invitae), Labcorp
Classification: Uncertain significance. Last evaluated: 2023-09-11. Review status: criteria provided, single submitter. Criteria: Invitae Variant Classification Sherloc (09022015). Collection method: clinical testing. Allele origin: germline.
Comment: This sequence change replaces alanine, which is neutral and non-polar, with glycine, which is neutral and non-polar, at codon 1548 of the SORL1 protein (p.Ala1548Gly). This variant is not present in population databases (gnomAD no frequency). This variant has not been reported in the literature in individuals affected with SORL1-related conditions. Algorithms developed to predict the effect of missense changes on protein structure and function output the following: SIFT: "Not Available"; PolyPhen-2: "Benign"; Align-GVGD: "Not Available". The glycine amino acid residue is found in multiple mammalian species, which suggests that this missense change does not adversely affect protein function. In summary, the available evidence is currently insufficient to determine the role of this variant in disease. Therefore, it has been classified as a Variant of Uncertain Significance.

NM_003105.6(SORL1):c.4643C>G (p.Ala1548Gly)

Gene: SORL1 (sortilin related receptor 1; plus strand). Cytogenetic location: 11q24.1.
Variant type: single nucleotide variant.
Coding change: c.4643C>G on transcript NM_003105.6 (MANE Select); coding-DNA position 4643, C replaced by G.
Protein change: p.Ala1548Gly; replaces alanine 1548 with glycine.
Molecular consequence: missense variant.
Genome position (GRCh38, 1-based): chr11:121,604,316, C>G. VCF-style: chr11-121604316-C-G. GRCh37 (hg19) VCF-style: chr11-121475025-C-G.
Other names: short protein forms A1548G.
Identifiers: ClinVar variation 2758426 (VCV002758426.3), dbSNP rs1863435935, ClinGen allele CA383037543.